The following is an entry in ClinVar:

NM_001330260.2(SCN8A):c.5445G>A (p.Leu1815=)

Gene: SCN8A (sodium voltage-gated channel alpha subunit 8; plus strand). Cytogenetic location: 12q13.13.
Variant type: single nucleotide variant.
Coding change: c.5445G>A on transcript NM_001330260.2 (MANE Select); coding-DNA position 5445, G replaced by A.
Protein change: p.Leu1815=; no amino-acid change (leucine 1815 retained).
Molecular consequence: synonymous variant.
Genome position (GRCh38, 1-based): chr12:51,806,931, G>A. VCF-style: chr12-51806931-G-A. GRCh37 (hg19) VCF-style: chr12-52200715-G-A.
Other names: c.5322G>A, p.Leu1774= (NM_001177984.3, NM_001369788.1); c.5445G>A, p.Leu1815= (NM_014191.4).
Identifiers: ClinVar variation 1078791 (VCV001078791.23), dbSNP rs2138943697, ClinGen allele CA480062354.

ClinVar aggregate classification (germline): Likely benign. Review status: criteria provided, multiple submitters, no conflicts (2 of 4 stars). 2 submissions from 2 submitters: Likely benign (2). Last evaluated 2025-02-01.

Conditions:
Early-infantile DEE. Also called: Early infantile epileptic encephalopathy; Ohtahara syndrome; Early infantile epileptic encephalopathy with suppression bursts. Identifiers: Orphanet 1934, MedGen C0393706, MONDO:0800491.

Allele frequency attached by ClinVar (database versions not stated): gnomAD exomes below 0.00001.
gnomAD v4.1: 2 of 1,613,538 alleles (0.00012%); highest among the groups gnomAD compares: Non-Finnish European, 0.00017%; no homozygotes.

Submissions (2):

CeGaT Center for Human Genetics Tuebingen
Classification: Likely benign. Last evaluated: 2025-02-01. Review status: criteria provided, single submitter. Criteria: CeGaT Center For Human Genetics Tuebingen Variant Classification Criteria Version 2. Collection method: clinical testing. Allele origin: germline. Affected: yes. Observed: 1 variant allele.
Comment: SCN8A: BP4, BP7

Labcorp Genetics (formerly Invitae), Labcorp
Classification: Likely benign for Early-infantile DEE. Last evaluated: 2024-10-27. Review status: criteria provided, single submitter. Criteria: Invitae Variant Classification Sherloc (09022015). Collection method: clinical testing. Allele origin: germline.